The following is an entry in ClinVar:

ClinVar aggregate classification (germline): Conflicting classifications of pathogenicity. Review status: criteria provided, conflicting classifications (1 of 4 stars). 6 submissions from 5 submitters: Uncertain significance (2); Likely benign (3). 1 of the submissions does not count toward it. Last evaluated 2025-07-10.

Conditions:
RYR1-related disorder. Also called: RYR1-related condition; RYR1-related disorders. Identifiers: MedGen CN239331.
Malignant hyperthermia, susceptibility to, 1 (MHS1). Also called: Anesthesia related hyperthermia; Malignant hyperpyrexia; Fulminating hyperpyrexia; Pharmacogenic myopathy; RYR1-Related Malignant Hyperthermia Susceptibility; Malignant hyperthermia suceptibility 1. Identifiers: Orphanet 423, MedGen C2930980, MONDO:0007783, OMIM 145600.
Congenital multicore myopathy with external ophthalmoplegia (CMYO1B). Also called: MULTICORE MYOPATHY; Minicore myopathy with external ophthalmoplegia; Congenital myopathy 1B, autosomal recessive; Minicore myopathy; MULTIMINICORE DISEASE WITH EXTERNAL OPHTHALMOPLEGIA. Identifiers: Orphanet 598, Orphanet 98905, MedGen C1850674, MONDO:0009712, OMIM 255320, HP:0003789.

Allele frequency attached by ClinVar (database versions not stated): gnomAD exomes 0.00006 and 0.00008; ExAC 0.00007; gnomAD 0.00007 and 0.00008; TOPMed 0.00011; ESP Exome Variant Server 0.00015.
gnomAD v4.1: 95 of 1,614,014 alleles (0.0059%); highest among the groups gnomAD compares: African/African-American, 0.0093%; no homozygotes.

Submissions (6):

Labcorp Genetics (formerly Invitae), Labcorp
Classification: Likely benign for RYR1-related disorder. Last evaluated: 2025-07-10. Review status: criteria provided, single submitter. Criteria: Invitae Variant Classification Sherloc (09022015). Collection method: clinical testing. Allele origin: germline.

Revvity Omics, Revvity
Classification: Likely benign. Last evaluated: 2024-10-30. Review status: criteria provided, single submitter. Criteria: ACMG Guidelines, 2015. Collection method: clinical testing. Allele origin: germline.

Color Diagnostics, LLC DBA Color Health
Classification: Likely benign for Malignant hyperthermia, susceptibility to, 1. Last evaluated: 2022-11-06. Review status: criteria provided, single submitter. Criteria: ACMG Guidelines, 2015. Collection method: clinical testing. Allele origin: germline.

Illumina Laboratory Services, Illumina
Classification: Uncertain significance for Malignant hyperthermia, susceptibility to, 1. Last evaluated: 2018-01-13. Review status: criteria provided, single submitter. Criteria: ICSL Variant Classification Criteria 13 December 2019. Collection method: clinical testing. Allele origin: germline.

Illumina Laboratory Services, Illumina
Classification: Uncertain significance for Congenital multicore myopathy with external ophthalmoplegia. Last evaluated: 2018-01-13. Review status: criteria provided, single submitter. Criteria: ICSL Variant Classification Criteria 13 December 2019. Collection method: clinical testing. Allele origin: germline.

PreventionGenetics, part of Exact Sciences
Classification: Likely benign for RYR1-related condition. Last evaluated: 2021-10-18. Review status: no assertion criteria provided. Collection method: clinical testing. Allele origin: germline. Not counted in ClinVar's aggregate classification.
Comment: This variant is classified as likely benign based on ACMG/AMP sequence variant interpretation guidelines (Richards et al. 2015 PMID: 25741868, with internal and published modifications).

NM_000540.3(RYR1):c.11412C>T (p.Leu3804=)

Gene: RYR1 (ryanodine receptor 1; plus strand). Cytogenetic location: 19q13.2.
Variant type: single nucleotide variant.
Coding change: c.11412C>T on transcript NM_000540.3 (MANE Select); coding-DNA position 11412, C replaced by T.
Protein change: p.Leu3804=; no amino-acid change (leucine 3804 retained).
Molecular consequence: synonymous variant.
Genome position (GRCh38, 1-based): chr19:38,535,193, C>T. VCF-style: chr19-38535193-C-T. GRCh37 (hg19) VCF-style: chr19-39025833-C-T.
Other names: c.11397C>T, p.Leu3799= (NM_001042723.2).
Identifiers: ClinVar variation 329108 (VCV000329108.20), dbSNP rs376851030, ClinGen allele CA056876.